The following is an entry in ClinVar:

ClinVar aggregate classification (germline): Benign. Review status: criteria provided, multiple submitters, no conflicts (2 of 4 stars). 2 submissions from 2 submitters: Benign (2). Last evaluated 2020-07-15.

Allele frequency attached by ClinVar (database versions not stated): gnomAD 0.17225 and 0.17640; TOPMed 0.17350; gnomAD exomes 0.19252; 1000 Genomes Project 0.20507.
gnomAD v4.1: 92,659 of 494,750 alleles (19%); highest among the groups gnomAD compares: South Asian, 26%; 9,367 homozygotes.

Submissions (8):

GeneDx
Classification: Benign. Last evaluated: 2020-07-15. Review status: criteria provided, single submitter. Criteria: GeneDx Variant Classification Process June 2021. Collection method: clinical testing. Allele origin: germline. Affected: yes.
Comment: This variant is associated with the following publications: (PMID: 21525861)

Breakthrough Genomics
Classification: Benign. Review status: criteria provided, single submitter. Criteria: ACMG Guidelines, 2015. Collection method: not provided. Allele origin: germline. Inheritance: Autosomal recessive inheritance. Affected: yes.

Dr. Peter K. Rogan Lab, Western University
No classification provided (evidence only). Condition: Lung cancer. Review status: no classification provided. Collection method: in vitro. Allele origin: not applicable. Functional consequence: retained intron. Not counted in ClinVar's aggregate classification.

Dr. Peter K. Rogan Lab, Western University
No classification provided (evidence only). Condition: Acute myeloid leukemia. Review status: no classification provided. Collection method: in vitro. Allele origin: not applicable. Functional consequence: retained intron. Not counted in ClinVar's aggregate classification.

Dr. Peter K. Rogan Lab, Western University
No classification provided (evidence only). Condition: Nonpapillary renal cell carcinoma. Review status: no classification provided. Collection method: in vitro. Allele origin: not applicable. Functional consequence: retained intron. Not counted in ClinVar's aggregate classification.

Dr. Peter K. Rogan Lab, Western University
No classification provided (evidence only). Condition: Thymoma. Review status: no classification provided. Collection method: in vitro. Allele origin: not applicable. Functional consequence: retained intron. Not counted in ClinVar's aggregate classification.

Dr. Peter K. Rogan Lab, Western University
No classification provided (evidence only). Condition: Ovarian serous cystadenocarcinoma. Review status: no classification provided. Collection method: in vitro. Allele origin: not applicable. Functional consequence: retained intron. Not counted in ClinVar's aggregate classification.

Dr. Peter K. Rogan Lab, Western University
No classification provided (evidence only). Condition: Ovarian serous cystadenocarcinoma. Review status: no classification provided. Collection method: in vitro. Allele origin: not applicable. Functional consequence: retained intron. Not counted in ClinVar's aggregate classification.

NM_001044.5(SLC6A3):c.*328G>A

Gene: SLC6A3 (solute carrier family 6 member 3). Cytogenetic location: 5p15.33.
Variant type: single nucleotide variant.
Coding change: c.*328G>A on transcript NM_001044.5 (MANE Select); 328 bases downstream of the stop codon, G replaced by A.
Molecular consequence: 3 prime UTR variant.
Genome position (GRCh38, 1-based): chr5:1,394,407, C>T on the plus strand (G>A on the coding strand, the complement: SLC6A3 is on the minus strand). VCF-style: chr5-1394407-C-T. GRCh37 (hg19) VCF-style: chr5-1394522-C-T.
Other names: NC_000005.9:g.1394522C>T.
Identifiers: ClinVar variation 1288474 (VCV001288474.3), dbSNP rs27072, ClinGen allele CA112954046.